The following is an entry in ClinVar:

ClinVar aggregate classification (germline): Uncertain significance (1 of 4 stars; one submission).

gnomAD v4.1: 1 of 1,614,120 alleles (0.000062%); highest among the groups gnomAD compares: South Asian, 0.0011%; no homozygotes.

Submission:

Labcorp Genetics (formerly Invitae), Labcorp
Classification: Uncertain significance. Last evaluated: 2022-07-05. Review status: criteria provided, single submitter. Criteria: Invitae Variant Classification Sherloc (09022015). Collection method: clinical testing. Allele origin: germline.
Comment: In summary, the available evidence is currently insufficient to determine the role of this variant in disease. Therefore, it has been classified as a Variant of Uncertain Significance. Algorithms developed to predict the effect of missense changes on protein structure and function output the following: SIFT: "Not Available"; PolyPhen-2: "Benign"; Align-GVGD: "Not Available". The alanine amino acid residue is found in multiple mammalian species, which suggests that this missense change does not adversely affect protein function. This variant has not been reported in the literature in individuals affected with ADAMTS18-related conditions. This variant is present in population databases (no rsID available, gnomAD 0.003%). This sequence change replaces glutamic acid, which is acidic and polar, with alanine, which is neutral and non-polar, at codon 884 of the ADAMTS18 protein (p.Glu884Ala).

NM_199355.4(ADAMTS18):c.2651A>C (p.Glu884Ala)

Gene: ADAMTS18 (ADAM metallopeptidase with thrombospondin type 1 motif 18; minus strand). Cytogenetic location: 16q23.1.
Variant type: single nucleotide variant.
Coding change: c.2651A>C on transcript NM_199355.4 (MANE Select); coding-DNA position 2651, A replaced by C.
Protein change: p.Glu884Ala; replaces glutamic acid 884 with alanine.
Molecular consequence: missense variant.
Genome position (GRCh38, 1-based): chr16:77,300,286, T>G on the plus strand (A>C on the coding strand, the complement: ADAMTS18 is on the minus strand). VCF-style: chr16-77300286-T-G. GRCh37 (hg19) VCF-style: chr16-77334183-T-G.
Other names: c.2135A>C, p.Glu712Ala (NM_001326358.2); short protein forms E712A, E884A.
Identifiers: ClinVar variation 2068058 (VCV002068058.4), dbSNP rs1328242488, ClinGen allele CA396823615.
Genomic context (GRCh38, chr16:77,300,286, plus strand): 5'-AGACAGACTTTGGAGACAGAATGAGAAAATCATCTACCTCCACCACAGGAGACGGAGCAC[T>G]CTGACTGCACGATACTCCAGGTATAGGCAGGTCTTTTTGTGGCTGGTGGAGTTCCATTCA-3'
Protein context (NP_955387.1, residues 874-894): PAYTWSIVQS[Glu884Ala]CSVSCGGGYI